The following is an entry in ClinVar:

ClinVar aggregate classification (germline): Uncertain significance (1 of 4 stars; one submission).

Conditions:
Noonan syndrome 4 (NS4). Also called: NOONAN SYNDROME WITH PIGMENTED VILLONODULAR SYNOVITIS; SOS1-Related Noonan Syndrome. Identifiers: Orphanet 648, MedGen C1853120, MONDO:0012547, OMIM 610733.

Allele frequency attached by ClinVar (database versions not stated): ExAC 0.00002; gnomAD 0.00001; TOPMed 0.00001.
gnomAD v4.1: 5 of 1,613,640 alleles (0.00031%); highest among the groups gnomAD compares: East Asian, 0.0067%; no homozygotes.

Submission:

St. Jude Molecular Pathology, St. Jude Children's Research Hospital
Classification: Uncertain significance for Noonan syndrome 4. Last evaluated: 2023-11-28. Review status: criteria provided, single submitter. Criteria: St. Jude Assertion Criteria 2020. Collection method: clinical testing. Allele origin: germline.
Comment: The SOS1 c.1674G>A (p.Met558Ile) missense change has a maximum subpopulation frequency of 0.01% in gnomAD v2.1.1. The in silico tool REVEL is inconclusive about a pathogenic or benign effect of this variant on protein function, and to our knowledge functional studies have not been performed. To our knowledge, this variant has not been reported in individuals with Noonan syndrome. In summary, the evidence currently available is insufficient to determine the clinical significance of this variant. It has therefore been classified as of uncertain significance.

NM_005633.4(SOS1):c.1674G>A (p.Met558Ile)

Gene: SOS1 (SOS Ras/Rac guanine nucleotide exchange factor 1; minus strand). Cytogenetic location: 2p22.1.
Variant type: single nucleotide variant.
Coding change: c.1674G>A on transcript NM_005633.4 (MANE Select); coding-DNA position 1674, G replaced by A.
Protein change: p.Met558Ile; replaces methionine 558 with isoleucine.
Molecular consequence: missense variant.
Genome position (GRCh38, 1-based): chr2:39,022,754, C>T on the plus strand (G>A on the coding strand, the complement: SOS1 is on the minus strand). VCF-style: chr2-39022754-C-T. GRCh37 (hg19) VCF-style: chr2-39249895-C-T.
Other names: c.1653G>A, p.Met551Ile (NM_001382394.1); c.1674G>A, p.Met558Ile (NM_001382395.1); short protein forms M551I, M558I.
Identifiers: ClinVar variation 2663981 (VCV002663981.1), dbSNP rs753055115, ClinGen allele CA1624566.